The following is an entry in ClinVar:

NM_000742.4(CHRNA2):c.74-17C>A

Gene: CHRNA2 (cholinergic receptor nicotinic alpha 2 subunit; minus strand). Cytogenetic location: 8p21.2.
Variant type: single nucleotide variant.
Coding change: c.74-17C>A on transcript NM_000742.4 (MANE Select); 17 bases into the intron before coding-DNA position 74, C replaced by A.
Molecular consequence: intron variant.
Genome position (GRCh38, 1-based): chr8:27,469,998, G>T on the plus strand (C>A on the coding strand, the complement: CHRNA2 is on the minus strand). VCF-style: chr8-27469998-G-T. GRCh37 (hg19) VCF-style: chr8-27327515-G-T.
Other names: c.-354-17C>A (NM_001347705.2); c.74-17C>A (NM_001282455.2); c.-388-17C>A (NM_001347708.2); c.-399-17C>A (NM_001347706.2); c.-340-17C>A (NM_001347707.2).
Identifiers: ClinVar variation 204951 (VCV000204951.4), dbSNP rs796052294, ClinGen allele CA313425.

ClinVar aggregate classification (germline): Benign/Likely benign. Review status: criteria provided, multiple submitters, no conflicts (2 of 4 stars). 2 submissions from 2 submitters: Benign (1); Likely benign (1). Last evaluated 2025-06-29.

Conditions:
Familial sleep-related hypermotor epilepsy. Also called: Autosomal Dominant Sleep-Related Hypermotor (Hyperkinetic) Epilepsy. Identifiers: Orphanet 98784, MedGen C3696898, MONDO:0000030.

Allele frequency attached by ClinVar (database versions not stated): gnomAD 0.00001; gnomAD exomes 0.00001; TOPMed 0.00001.
gnomAD v4.1: 10 of 1,608,562 alleles (0.00062%); highest among the groups gnomAD compares: Non-Finnish European, 0.00085%; no homozygotes.

Submissions (2):

Labcorp Genetics (formerly Invitae), Labcorp
Classification: Likely benign. Last evaluated: 2025-06-29. Review status: criteria provided, single submitter. Criteria: Invitae Variant Classification Sherloc (09022015). Collection method: clinical testing. Allele origin: germline.

GeneDx
Classification: Benign. Last evaluated: 2014-08-28. Review status: criteria provided, single submitter. Criteria: GeneDx Variant Classification (06012015). Collection method: clinical testing. Allele origin: germline. Affected: yes.
Comment: This variant is considered likely benign or benign based on one or more of the following criteria: it is a conservative change, it occurs at a poorly conserved position in the protein, it is predicted to be benign by multiple in silico algorithms, and/or has population frequency not consistent with disease.